The following is an entry in ClinVar:

ClinVar aggregate classification (germline): Conflicting classifications of pathogenicity. Review status: criteria provided, conflicting classifications (1 of 4 stars). 2 submissions from 2 submitters: Uncertain significance (1); Likely benign (1). Last evaluated 2025-09-01.

Allele frequency attached by ClinVar (database versions not stated): gnomAD exomes 0.00018; ESP Exome Variant Server 0.00044; ExAC 0.00176; gnomAD 0.00195; TOPMed 0.00208; 1000 Genomes Project 30x 0.00219; 1000 Genomes Project 0.00240.
gnomAD v4.1: 530 of 1,317,742 alleles (0.04%); highest among the groups gnomAD compares: African/African-American, 0.64%; 2 homozygotes.

Submissions (2):

CeGaT Center for Human Genetics Tuebingen
Classification: Likely benign. Last evaluated: 2025-09-01. Review status: criteria provided, single submitter. Criteria: CeGaT Center For Human Genetics Tuebingen Variant Classification Criteria Version 2. Collection method: clinical testing. Allele origin: germline. Affected: yes. Observed: 2 variant alleles.
Comment: HYDIN: BS2

Blueprint Genetics
Classification: Uncertain significance. Last evaluated: 2024-09-19. Review status: criteria provided, single submitter. Criteria: ACMG Guidelines, 2015. Collection method: clinical testing. Allele origin: germline.

NM_001270974.2(HYDIN):c.10541G>A (p.Gly3514Asp)

Gene: HYDIN (HYDIN axonemal central pair apparatus protein; minus strand). Cytogenetic location: 16q22.2.
Variant type: single nucleotide variant.
Coding change: c.10541G>A on transcript NM_001270974.2 (MANE Select); coding-DNA position 10541, G replaced by A.
Protein change: p.Gly3514Asp; replaces glycine 3514 with aspartic acid.
Molecular consequence: missense variant.
Genome position (GRCh38, 1-based): chr16:70,879,313, C>T on the plus strand (G>A on the coding strand, the complement: HYDIN is on the minus strand). VCF-style: chr16-70879313-C-T. GRCh37 (hg19) VCF-style: chr16-70913216-C-T.
Other names: short protein forms G3514D.
Identifiers: ClinVar variation 3250617 (VCV003250617.19), dbSNP rs368801113.